The following is an entry in ClinVar:

NM_001267550.2(TTN):c.29042-16G>A

Gene: TTN (titin; minus strand). Cytogenetic location: 2q31.2.
Variant type: single nucleotide variant.
Coding change: c.29042-16G>A on transcript NM_001267550.2 (MANE Select); 16 bases into the intron before coding-DNA position 29042, G replaced by A.
Molecular consequence: intron variant.
Genome position (GRCh38, 1-based): chr2:178,706,970, C>T on the plus strand (G>A on the coding strand, the complement: TTN is on the minus strand). VCF-style: chr2-178706970-C-T. GRCh37 (hg19) VCF-style: chr2-179571697-C-T.
Other names: c.13282+31112G>A (NM_003319.4); c.13858+31112G>A (NM_133437.4); c.13657+31112G>A (NM_133432.3); c.25310-16G>A (NM_133378.4); c.28091-16G>A (NM_001256850.1).
Identifiers: ClinVar variation 137774 (VCV000137774.21), dbSNP rs10203085, ClinGen allele CA303085.

ClinVar aggregate classification (germline): Benign. Review status: criteria provided, multiple submitters, no conflicts (2 of 4 stars). 12 submissions from 9 submitters: Benign (10). 2 of the submissions do not count toward it. Last evaluated 2026-02-04.

Conditions:
Dilated cardiomyopathy 1G (CMD1G). Identifiers: Orphanet 154, MedGen C1858763, MONDO:0011400, OMIM 604145.
Autosomal recessive limb-girdle muscular dystrophy type 2J (LGMDR10). Also called: Limb-girdle muscular dystrophy, type 2J; MUSCULAR DYSTROPHY, LIMB-GIRDLE, AUTOSOMAL RECESSIVE 10. Identifiers: Orphanet 140922, MedGen C1837342, MONDO:0012127, OMIM 608807.
Early-onset myopathy with fatal cardiomyopathy (CMYO5). Also called: Salih Myopathy; CONGENITAL MYOPATHY 5 WITH CARDIOMYOPATHY. Identifiers: Orphanet 289377, MedGen C2673677, MONDO:0012714, OMIM 611705. Disease mechanism: loss of function.
Tibial muscular dystrophy (TMD). Also called: UDD MYOPATHY; Tibial muscular dystrophy, tardive; Udd Distal Myopathy – Tibial Muscular Dystrophy. Identifiers: Orphanet 609, MedGen C1838244, MONDO:0010870, OMIM 600334.
Myopathy, myofibrillar, 9, with early respiratory failure (MFM9). Also called: MYOPATHY, PROXIMAL, WITH EARLY RESPIRATORY MUSCLE INVOLVEMENT; EDSTROM MYOPATHY; Hereditary myopathy with early respiratory failure; Myopathy, distal, with early respiratory failure, autosomal dominant. Identifiers: Orphanet 178464, Orphanet 34521, MedGen C1863599, MONDO:0011362, OMIM 603689.

Allele frequency attached by ClinVar (database versions not stated): 1000 Genomes Project 30x 0.09416; 1000 Genomes Project 0.09425; gnomAD 0.05999 and 0.06315; ExAC 0.09427; gnomAD exomes 0.07478 and 0.04061; ESP Exome Variant Server 0.04510; TOPMed 0.06631.
gnomAD v4.1: 68,276 of 1,588,458 alleles (4.3%); highest among the groups gnomAD compares: Admixed American, 17%; 3,160 homozygotes.

Submissions (12):

Labcorp Genetics (formerly Invitae), Labcorp
Classification: Benign for Dilated cardiomyopathy 1G; Autosomal recessive limb-girdle muscular dystrophy type 2J. Last evaluated: 2026-02-04. Review status: criteria provided, single submitter. Criteria: Invitae Variant Classification Sherloc (09022015). Collection method: clinical testing. Allele origin: germline.

Genome-Nilou Lab
Classification: Benign for Autosomal recessive limb-girdle muscular dystrophy type 2J. Last evaluated: 2021-09-10. Review status: criteria provided, single submitter. Criteria: ACMG Guidelines, 2015. Collection method: clinical testing. Allele origin: germline. Affected: no.

Genome-Nilou Lab
Classification: Benign for Myopathy, myofibrillar, 9, with early respiratory failure. Last evaluated: 2021-09-10. Review status: criteria provided, single submitter. Criteria: ACMG Guidelines, 2015. Collection method: clinical testing. Allele origin: germline. Affected: no.

Genome-Nilou Lab
Classification: Benign for Early-onset myopathy with fatal cardiomyopathy. Last evaluated: 2021-09-10. Review status: criteria provided, single submitter. Criteria: ACMG Guidelines, 2015. Collection method: clinical testing. Allele origin: germline. Affected: no.

Genome-Nilou Lab
Classification: Benign for Tibial muscular dystrophy. Last evaluated: 2021-09-10. Review status: criteria provided, single submitter. Criteria: ACMG Guidelines, 2015. Collection method: clinical testing. Allele origin: germline. Affected: no.

Women's Health and Genetics/Laboratory Corporation of America, LabCorp
Classification: Benign. Last evaluated: 2019-08-16. Review status: criteria provided, single submitter. Criteria: LabCorp Variant Classification Summary - May 2015. Collection method: clinical testing. Allele origin: germline.

Eurofins Ntd Llc (ga)
Classification: Benign. Last evaluated: 2015-03-04. Review status: criteria provided, single submitter. Criteria: EGL Classification Definitions 2015. Collection method: clinical testing. Allele origin: germline. Observed: 1 variant allele, 1 heterozygote.

GeneDx
Classification: Benign. Last evaluated: 2013-07-08. Review status: criteria provided, single submitter. Criteria: GeneDx Variant Classification (06012015). Collection method: clinical testing. Allele origin: germline. Affected: yes.
Comment: This variant is considered likely benign or benign based on one or more of the following criteria: it is a conservative change, it occurs at a poorly conserved position in the protein, it is predicted to be benign by multiple in silico algorithms, and/or has population frequency not consistent with disease.

Breakthrough Genomics
Classification: Benign. Review status: criteria provided, single submitter. Criteria: ACMG Guidelines, 2015. Collection method: not provided. Allele origin: germline. Inheritance: Autosomal recessive inheritance. Affected: yes.

PreventionGenetics, part of Exact Sciences
Classification: Benign. Review status: criteria provided, single submitter. Criteria: ACMG Guidelines, 2015. Collection method: clinical testing. Allele origin: germline.

Clinical Genetics DNA and cytogenetics Diagnostics Lab, Erasmus MC, Erasmus Medical Center
Classification: Benign. Review status: no assertion criteria provided. Collection method: clinical testing. Allele origin: germline. Affected: yes. Study: VKGL Data-share Consensus. Not counted in ClinVar's aggregate classification.

Clinical Genetics, Academic Medical Center
Classification: Benign. Review status: no assertion criteria provided. Collection method: clinical testing. Allele origin: germline. Affected: yes. Study: VKGL Data-share Consensus. Not counted in ClinVar's aggregate classification.